The following is an entry in ClinVar:

NM_199355.4(ADAMTS18):c.3140G>C (p.Arg1047Pro)

Gene: ADAMTS18 (ADAM metallopeptidase with thrombospondin type 1 motif 18; minus strand). Cytogenetic location: 16q23.1.
Variant type: single nucleotide variant.
Coding change: c.3140G>C on transcript NM_199355.4 (MANE Select); coding-DNA position 3140, G replaced by C.
Protein change: p.Arg1047Pro; replaces arginine 1047 with proline.
Molecular consequence: missense variant.
Genome position (GRCh38, 1-based): chr16:77,293,125, C>G on the plus strand (G>C on the coding strand, the complement: ADAMTS18 is on the minus strand). VCF-style: chr16-77293125-C-G. GRCh37 (hg19) VCF-style: chr16-77327022-C-G.
Other names: c.3140G>C (NM_199355.2); c.2624G>C, p.Arg875Pro (NM_001326358.2); short protein forms R1047P, R875P.
Identifiers: ClinVar variation 1046373 (VCV001046373.13), dbSNP rs139644893, ClinGen allele CA8180608.

ClinVar aggregate classification (germline): Conflicting classifications of pathogenicity. Review status: criteria provided, conflicting classifications (1 of 4 stars). 3 submissions from 3 submitters: Uncertain significance (2); Likely benign (1). Last evaluated 2026-02-23.

Conditions:
Inborn genetic diseases. Identifiers: MedGen C0950123, MeSH D030342.

Allele frequency attached by ClinVar (database versions not stated): TOPMed 0.00026; gnomAD 0.00028 and 0.00029; ESP Exome Variant Server 0.00077.
gnomAD v4.1: 71 of 1,613,920 alleles (0.0044%); highest among the groups gnomAD compares: African/African-American, 0.092%; no homozygotes.

Submissions (3):

Ambry Genetics
Classification: Uncertain significance for Inborn genetic diseases. Last evaluated: 2026-02-23. Review status: criteria provided, single submitter. Criteria: Ambry Variant Classification Scheme 2023. Collection method: clinical testing. Allele origin: germline.

Labcorp Genetics (formerly Invitae), Labcorp
Classification: Uncertain significance. Last evaluated: 2024-12-29. Review status: criteria provided, single submitter. Criteria: Invitae Variant Classification Sherloc (09022015). Collection method: clinical testing. Allele origin: germline.
Comment: This sequence change replaces arginine, which is basic and polar, with proline, which is neutral and non-polar, at codon 1047 of the ADAMTS18 protein (p.Arg1047Pro). This variant is present in population databases (rs139644893, gnomAD 0.1%). This variant has not been reported in the literature in individuals affected with ADAMTS18-related conditions. ClinVar contains an entry for this variant (Variation ID: 1046373). An algorithm developed to predict the effect of missense changes on protein structure and function (PolyPhen-2) suggests that this variant is likely to be disruptive. In summary, the available evidence is currently insufficient to determine the role of this variant in disease. Therefore, it has been classified as a Variant of Uncertain Significance.

Blueprint Genetics
Classification: Likely benign. Last evaluated: 2022-08-24. Review status: criteria provided, single submitter. Criteria: ACMG Guidelines, 2015. Collection method: clinical testing. Allele origin: germline.